The following is an entry in ClinVar:

ClinVar aggregate classification (germline): Uncertain significance (1 of 4 stars; one submission).

gnomAD v4.1: 2 of 1,612,498 alleles (0.00012%); highest among the groups gnomAD compares: South Asian, 0.0022%; no homozygotes.

Submission:

Women's Health and Genetics/Laboratory Corporation of America, LabCorp
Classification: Uncertain significance. Last evaluated: 2026-01-19. Review status: criteria provided, single submitter. Criteria: LabCorp Variant Classification Summary - May 2015. Collection method: clinical testing. Allele origin: germline.
Comment: Variant summary: TNXB c.8933A>G (p.Asp2978Gly) results in a non-conservative amino acid change in the encoded protein sequence. Algorithms developed to predict the effect of missense changes on protein structure and function are either unavailable or do not agree on the potential impact of this missense change. The variant allele was found at a frequency of 4.1e-06 in 245180 control chromosomes. The available data on variant occurrences in the general population are insufficient to allow any conclusion about variant significance. To our knowledge, no occurrence of c.8933A>G in individuals affected with TNXB-related conditions and no experimental evidence demonstrating its impact on protein function have been reported. No submitters have cited clinical-significance assessments for this variant to ClinVar. Based on the evidence outlined above, the variant was classified as uncertain significance.

NM_001365276.2(TNXB):c.8939A>G (p.Asp2980Gly)

Gene: TNXB (tenascin XB; minus strand). Cytogenetic location: 6p21.33.
Variant type: single nucleotide variant.
Coding change: c.8939A>G on transcript NM_001365276.2 (MANE Select); coding-DNA position 8939, A replaced by G.
Protein change: p.Asp2980Gly; replaces aspartic acid 2980 with glycine.
Molecular consequence: missense variant.
Genome position (GRCh38, 1-based): chr6:32,052,846, T>C on the plus strand (A>G on the coding strand, the complement: TNXB is on the minus strand). VCF-style: chr6-32052846-T-C. GRCh37 (hg19) VCF-style: chr6-32020623-T-C.
Other names: c.9680A>G, p.Asp3227Gly (NM_001428335.1); c.8933A>G, p.Asp2978Gly (NM_019105.8); short protein forms D2978G, D2980G, D3227G.
Identifiers: ClinVar variation 4689251 (VCV004689251.1).